The following is an entry in ClinVar:

ClinVar aggregate classification (germline): Uncertain significance (1 of 4 stars; one submission).

Conditions:
Cowden syndrome (CS). Also called: Cowden's disease; Cowden's syndrome; Cowden disease. Identifiers: Orphanet 201, MedGen C0018553, MONDO:0016063. Disease mechanism: gain of function.

Allele frequency attached by ClinVar (database versions not stated): gnomAD exomes below 0.00001.
gnomAD v4.1: 3 of 1,612,330 alleles (0.00019%); highest among the groups gnomAD compares: South Asian, 0.0022%; no homozygotes.

Submission:

Labcorp Genetics (formerly Invitae), Labcorp
Classification: Uncertain significance for Cowden syndrome. Last evaluated: 2022-05-24. Review status: criteria provided, single submitter. Criteria: Invitae Variant Classification Sherloc (09022015). Collection method: clinical testing. Allele origin: germline.
Comment: This variant has not been reported in the literature in individuals affected with PIK3CA-related conditions. This sequence change replaces alanine, which is neutral and non-polar, with valine, which is neutral and non-polar, at codon 150 of the PIK3CA protein (p.Ala150Val). This variant is not present in population databases (gnomAD no frequency). Advanced modeling of protein sequence and biophysical properties (such as structural, functional, and spatial information, amino acid conservation, physicochemical variation, residue mobility, and thermodynamic stability) performed at Invitae indicates that this missense variant is not expected to disrupt PIK3CA protein function. In summary, the available evidence is currently insufficient to determine the role of this variant in disease. Therefore, it has been classified as a Variant of Uncertain Significance.

NM_006218.4(PIK3CA):c.449C>T (p.Ala150Val)

Gene: PIK3CA (phosphatidylinositol-4,5-bisphosphate 3-kinase catalytic subunit alpha; plus strand). Cytogenetic location: 3q26.32.
Variant type: single nucleotide variant.
Coding change: c.449C>T on transcript NM_006218.4 (MANE Select); coding-DNA position 449, C replaced by T.
Protein change: p.Ala150Val; replaces alanine 150 with valine.
Molecular consequence: missense variant.
Genome position (GRCh38, 1-based): chr3:179,199,786, C>T. VCF-style: chr3-179199786-C-T. GRCh37 (hg19) VCF-style: chr3-178917574-C-T.
Other names: short protein forms A150V.
Identifiers: ClinVar variation 1998145 (VCV001998145.4), dbSNP rs1724363071, ClinGen allele CA355273834.
Genomic context (GRCh38, chr3:179,199,786, plus strand): 5'-TGGTTAAAGATCCAGAAGTACAGGACTTCCGAAGAAATATTCTGAACGTTTGTAAAGAAG[C>T]TGTGGATCTTAGGGACCTCAATTCACCTCATAGTAGAGCAATGTATGTCTATCCTCCAAA-3'
Protein context (NP_006209.2, residues 140-160): RRNILNVCKE[Ala150Val]VDLRDLNSPH